The following is an entry in ClinVar:

ClinVar aggregate classification (germline): Uncertain significance (1 of 4 stars; one submission).

Conditions:
Familial encephalopathy with neuroserpin inclusion bodies. Also called: ENCEPHALOPATHY, FAMILIAL, WITH COLLINS BODIES. Identifiers: Orphanet 85110, MedGen C1858680, MONDO:0011412, OMIM 604218.

Allele frequency attached by ClinVar (database versions not stated): gnomAD exomes below 0.00001; TOPMed below 0.00001; gnomAD 0.00001.
gnomAD v4.1: 2 of 1,614,050 alleles (0.00012%); highest among the groups gnomAD compares: Admixed American, 0.0017%; no homozygotes.

Submission:

Labcorp Genetics (formerly Invitae), Labcorp
Classification: Uncertain significance for Familial encephalopathy with neuroserpin inclusion bodies. Last evaluated: 2021-05-26. Review status: criteria provided, single submitter. Criteria: Invitae Variant Classification Sherloc (09022015). Collection method: clinical testing. Allele origin: germline.
Comment: This sequence change replaces alanine with threonine at codon 39 of the SERPINI1 protein (p.Ala39Thr). The alanine residue is highly conserved and there is a small physicochemical difference between alanine and threonine. This variant is not present in population databases (ExAC no frequency). This variant has not been reported in the literature in individuals with SERPINI1-related conditions. Advanced modeling of protein sequence and biophysical properties (such as structural, functional, and spatial information, amino acid conservation, physicochemical variation, residue mobility, and thermodynamic stability) performed at Invitae indicates that this missense variant is not expected to disrupt SERPINI1 protein function. In summary, the available evidence is currently insufficient to determine the role of this variant in disease. Therefore, it has been classified as a Variant of Uncertain Significance.

NM_001122752.2(SERPINI1):c.115G>A (p.Ala39Thr)

Gene: SERPINI1 (serpin family I member 1; plus strand). Cytogenetic location: 3q26.1.
Variant type: single nucleotide variant.
Coding change: c.115G>A on transcript NM_001122752.2 (MANE Select); coding-DNA position 115, G replaced by A.
Protein change: p.Ala39Thr; replaces alanine 39 with threonine.
Molecular consequence: missense variant.
Genome position (GRCh38, 1-based): chr3:167,789,243, G>A. VCF-style: chr3-167789243-G-A. GRCh37 (hg19) VCF-style: chr3-167507031-G-A.
Other names: c.115G>A, p.Ala39Thr (NM_005025.5); short protein forms A39T.
Identifiers: ClinVar variation 1495757 (VCV001495757.8), dbSNP rs1307825318, ClinGen allele CA355155565.
Genomic context (GRCh38, chr3:167,789,243, plus strand): 5'-GCCACTTTCCCTGAGGAAGCCATTGCTGACTTGTCAGTGAATATGTATAATCGTCTTAGA[G>A]CCACTGGTGAAGATGAAAATATTCTCTTCTCTCCATTGAGTATTGCTCTTGCAATGGGAA-3'
Protein context (NP_001116224.1, residues 29-49): LSVNMYNRLR[Ala39Thr]TGEDENILFS